The following is an entry in ClinVar:

NM_000222.3(KIT):c.2825G>T (p.Cys942Phe)

Gene: KIT (KIT proto-oncogene, receptor tyrosine kinase; plus strand). Cytogenetic location: 4q12.
Variant type: single nucleotide variant.
Coding change: c.2825G>T on transcript NM_000222.3 (MANE Select); coding-DNA position 2825, G replaced by T.
Protein change: p.Cys942Phe; replaces cysteine 942 with phenylalanine.
Molecular consequence: missense variant.
Genome position (GRCh38, 1-based): chr4:54,738,451, G>T. VCF-style: chr4-54738451-G-T. GRCh37 (hg19) VCF-style: chr4-55604617-G-T.
Other names: c.2813G>T, p.Cys938Phe (NM_001093772.2, NM_001385292.1); c.2828G>T, p.Cys943Phe (NM_001385284.1); c.2822G>T, p.Cys941Phe (NM_001385285.1); c.2810G>T, p.Cys937Phe (NM_001385286.1); c.2816G>T, p.Cys939Phe (NM_001385288.1); c.2825G>T, p.Cys942Phe (NM_001385290.1); short protein forms C939F, C938F, C942F, C943F, C937F, C941F.
Identifiers: ClinVar variation 3534702 (VCV003534702.1).

ClinVar aggregate classification (germline): Uncertain significance (1 of 4 stars; one submission).

Conditions:
Hereditary cancer-predisposing syndrome. Also called: Hereditary Cancer Syndrome; Hereditary neoplastic syndrome; Tumor predisposition; Neoplastic Syndromes, Hereditary. Identifiers: Orphanet 140162, MedGen C0027672, MeSH D009386, MONDO:0015356.

gnomAD v4.1: 2 of 1,613,998 alleles (0.00012%); highest among the groups gnomAD compares: South Asian, 0.0011%; no homozygotes.

Submission:

Ambry Genetics
Classification: Uncertain significance for Hereditary cancer-predisposing syndrome. Last evaluated: 2024-08-10. Review status: criteria provided, single submitter. Criteria: Ambry Variant Classification Scheme 2023. Collection method: clinical testing. Allele origin: germline.
Comment: The p.C942F variant (also known as c.2825G>T), located in coding exon 21 of the KIT gene, results from a G to T substitution at nucleotide position 2825. The cysteine at codon 942 is replaced by phenylalanine, an amino acid with highly dissimilar properties. This amino acid position is conserved. In addition, this alteration is predicted to be tolerated by in silico analysis. Based on the available evidence, the clinical significance of this variant remains unclear.